The following is an entry in ClinVar:

NM_001009944.3(PKD1):c.7425T>C (p.Ser2475=)

Gene: PKD1 (polycystin 1, transient receptor potential channel interacting; minus strand). Cytogenetic location: 16p13.3.
Variant type: single nucleotide variant.
Coding change: c.7425T>C on transcript NM_001009944.3 (MANE Select); coding-DNA position 7425, T replaced by C.
Protein change: p.Ser2475=; no amino-acid change (serine 2475 retained).
Molecular consequence: synonymous variant.
Genome position (GRCh38, 1-based): chr16:2,106,462, A>G on the plus strand (T>C on the coding strand, the complement: PKD1 is on the minus strand). VCF-style: chr16-2106462-A-G. GRCh37 (hg19) VCF-style: chr16-2156463-A-G.
Other names: c.7425T>C, p.Ser2475= (NM_000296.4).
Identifiers: ClinVar variation 3046629 (VCV003046629.2), dbSNP rs2544780481, ClinGen allele CA493046635.

ClinVar aggregate classification (germline): Likely benign (0 of 4 stars; one submission).

Conditions:
PKD1-related disorder. Also called: PKD1-related condition.

Submission:

PreventionGenetics, part of Exact Sciences
Classification: Likely benign for PKD1-related condition. Last evaluated: 2023-05-09. Review status: no assertion criteria provided. Collection method: clinical testing. Allele origin: germline.
Comment: This variant is classified as likely benign based on ACMG/AMP sequence variant interpretation guidelines (Richards et al. 2015 PMID: 25741868, with internal and published modifications).